The following is an entry in ClinVar:

Conditions:
Breast-ovarian cancer, familial, susceptibility to, 1 (BROVCA1). Also called: BRCA1 Hereditary Breast and Ovarian Cancer; OVARIAN CANCER, SUSCEPTIBILITY TO. Identifiers: Orphanet 145, MedGen C2676676, MONDO:0011450, OMIM 604370. Disease mechanism: loss of function.

Submission:

Brotman Baty Institute, University of Washington
No classification provided (evidence only). Condition: Breast-ovarian cancer, familial 1. Review status: no classification provided. Collection method: in vitro. Allele origin: not applicable. Functional consequence: functionally_normal.
ClinVar note: "not provided" was previously submitted as the classification for the variant. However, the classification appeared to be based only on an observation of functional data so it was converted to no classification on 2025-07-30.

NM_007294.4(BRCA1):c.5467+10C>G

Gene: BRCA1 (BRCA1 DNA repair associated; minus strand). Cytogenetic location: 17q21.31.
Variant type: single nucleotide variant.
Coding change: c.5467+10C>G on transcript NM_007294.4 (MANE Select); 10 bases into the intron after coding-DNA position 5467, C replaced by G.
Molecular consequence: intron variant.
Genome position (GRCh38, 1-based): chr17:43,047,633, G>C on the plus strand (C>G on the coding strand, the complement: BRCA1 is on the minus strand). VCF-style: chr17-43047633-G-C. GRCh37 (hg19) VCF-style: chr17-41199650-G-C.
Other names: c.5266+10C>G (NM_001407862.1); c.2146+10C>G (NM_001408409.1); c.5383+10C>G (NM_001407663.1, NM_001407659.1, NM_001407662.1 and 2 more transcripts); c.5386+10C>G (NM_001407658.1, NM_001407656.1, NM_001407657.1); c.5389+10C>G (NM_001407653.1, NM_001407655.1, NM_001407654.1 and 1 more transcripts); c.5128+10C>G (NM_001407958.1, NM_001407956.1, NM_001407957.1); c.5131+10C>G (NM_001407955.1, NM_001407951.1, NM_001407954.1 and 3 more transcripts); c.1942+10C>G (NM_001408493.1, NM_001408492.1); and 83 more.
Identifiers: ClinVar variation 868535 (VCV000868535.3), dbSNP rs2050973400, ClinGen allele CA916080758.